The following is an entry in ClinVar:

NM_000459.5(TEK):c.194T>C (p.Met65Thr)

Gene: TEK (TEK receptor tyrosine kinase; plus strand). Cytogenetic location: 9p21.2.
Variant type: single nucleotide variant.
Coding change: c.194T>C on transcript NM_000459.5 (MANE Select); coding-DNA position 194, T replaced by C.
Protein change: p.Met65Thr; replaces methionine 65 with threonine.
Molecular consequence: missense variant. On other transcripts: intron variant (1).
Genome position (GRCh38, 1-based): chr9:27,157,972, T>C. VCF-style: chr9-27157972-T-C. GRCh37 (hg19) VCF-style: chr9-27157970-T-C.
Other names: c.194T>C, p.Met65Thr (NM_001290077.2, NM_001375475.1, NM_001375476.1); c.53-10523T>C (NM_001290078.2); short protein forms M65T.
Identifiers: ClinVar variation 3345189 (VCV003345189.1).
Genomic context (GRCh38, chr9:27,157,972, plus strand): 5'-TTGCCTCTGGGTGGCGCCCCCATGAGCCCATCACCATAGGAAGGGACTTTGAAGCCTTAA[T>C]GAACCAGCACCAGGATCCGCTGGAAGTTACTCAAGATGTGACCAGAGAATGGGCTAAAAA-3'
Protein context (NP_000450.3, residues 55-75): ITIGRDFEAL[Met65Thr]NQHQDPLEVT

ClinVar aggregate classification (germline): Uncertain significance (0 of 4 stars; one submission).

Conditions:
TEK-related disorder. Also called: TEK-related condition.

Submission:

PreventionGenetics, part of Exact Sciences
Classification: Uncertain significance for TEK-related condition. Last evaluated: 2024-06-19. Review status: no assertion criteria provided. Collection method: clinical testing. Allele origin: germline.
Comment: The TEK c.194T>C variant is predicted to result in the amino acid substitution p.Met65Thr. To our knowledge, this variant has not been reported in the literature. This variant is reported in 0.00088% of alleles in individuals of European (Non-Finnish) descent in gnomAD. At this time, the clinical significance of this variant is uncertain due to the absence of conclusive functional and genetic evidence.